The following is an entry in ClinVar:

ClinVar aggregate classification (germline): Likely benign. Review status: criteria provided, multiple submitters, no conflicts (2 of 4 stars). 2 submissions from 2 submitters: Likely benign (2). Last evaluated 2024-11-18.

Conditions:
Osteogenesis imperfecta type I (OI1). Also called: Classic Non-deforming Osteogenesis Imperfecta with Blue Sclerae; Osteogenesis imperfecta type 1; Lobstein disease; OI, TYPE I; OSTEOGENESIS IMPERFECTA TARDA; OSTEOGENESIS IMPERFECTA WITH BLUE SCLERAE. Identifiers: Orphanet 216796, Orphanet 666, MedGen C0023931, MONDO:0008146, OMIM 166200. Disease mechanism: loss of function.

Allele frequency attached by ClinVar (database versions not stated): 1000 Genomes Project 30x 0.00016; 1000 Genomes Project 0.00020.
gnomAD v4.1: 39 of 1,612,300 alleles (0.0024%); highest among the groups gnomAD compares: South Asian, 0.036%; no homozygotes.

Submissions (2):

Labcorp Genetics (formerly Invitae), Labcorp
Classification: Likely benign for Osteogenesis imperfecta type I. Last evaluated: 2024-11-18. Review status: criteria provided, single submitter. Criteria: Invitae Variant Classification Sherloc (09022015). Collection method: clinical testing. Allele origin: germline.

GeneDx
Classification: Likely benign. Last evaluated: 2017-09-21. Review status: criteria provided, single submitter. Criteria: GeneDx Variant Classification (06012015). Collection method: clinical testing. Allele origin: germline. Affected: yes.
Comment: This variant is considered likely benign or benign based on one or more of the following criteria: it is a conservative change, it occurs at a poorly conserved position in the protein, it is predicted to be benign by multiple in silico algorithms, and/or has population frequency not consistent with disease.

NM_000088.4(COL1A1):c.2235+11C>G

Gene: COL1A1 (collagen type I alpha 1 chain; minus strand). Cytogenetic location: 17q21.33.
Variant type: single nucleotide variant.
Coding change: c.2235+11C>G on transcript NM_000088.4 (MANE Select); 11 bases into the intron after coding-DNA position 2235, C replaced by G.
Molecular consequence: intron variant.
Genome position (GRCh38, 1-based): chr17:50,191,372, G>C on the plus strand (C>G on the coding strand, the complement: COL1A1 is on the minus strand). VCF-style: chr17-50191372-G-C. GRCh37 (hg19) VCF-style: chr17-48268733-G-C.
Identifiers: ClinVar variation 512289 (VCV000512289.6), dbSNP rs572426023, ClinGen allele CA8644906.